The following is an entry in ClinVar:

ClinVar aggregate classification (germline): Likely benign (1 of 4 stars; one submission).

Conditions:
Hereditary breast ovarian cancer syndrome. Also called: Hereditary breast and ovarian cancer; Hereditary breast and ovarian cancer syndrome (HBOC); Breast and ovarian cancer; Hereditary breast and/or ovarian cancer syndrome; BRCA1- and BRCA2-Associated Hereditary Breast and Ovarian Cancer; Hereditary breast and ovarian cancer syndrome. Identifiers: Orphanet 145, MedGen C0677776, MeSH D061325, MONDO:0003582. Disease mechanism: loss of function.

Submissions (2):

Labcorp Genetics (formerly Invitae), Labcorp
Classification: Likely benign for Hereditary breast ovarian cancer syndrome. Last evaluated: 2025-09-14. Review status: criteria provided, single submitter. Criteria: Invitae Variant Classification Sherloc (09022015). Collection method: clinical testing. Allele origin: germline.

Brotman Baty Institute, University of Washington
No classification provided (evidence only). Condition: Breast-ovarian cancer, familial 1. Review status: no classification provided. Collection method: in vitro. Allele origin: not applicable. Functional consequence: functionally_normal. Not counted in ClinVar's aggregate classification.
ClinVar note: "not provided" was previously submitted as the classification for the variant. However, the classification appeared to be based only on an observation of functional data so it was converted to no classification on 2025-07-30.

NM_007294.4(BRCA1):c.81-17C>T

Gene: BRCA1 (BRCA1 DNA repair associated; minus strand). Cytogenetic location: 17q21.31.
Variant type: single nucleotide variant.
Coding change: c.81-17C>T on transcript NM_007294.4 (MANE Select); 17 bases into the intron before coding-DNA position 81, C replaced by T.
Molecular consequence: intron variant.
Genome position (GRCh38, 1-based): chr17:43,115,796, G>A on the plus strand (C>T on the coding strand, the complement: BRCA1 is on the minus strand). VCF-style: chr17-43115796-G-A. GRCh37 (hg19) VCF-style: chr17-41267813-G-A.
Other names: c.-8+8221C>T (NM_001408460.1, NM_001408454.1, NM_001407852.1 and 23 more transcripts); c.81-17C>T (NM_001408413.1, NM_001407660.1, NM_001407661.1 and 191 more transcripts); c.-108-17C>T (NM_001407958.1, NM_001407955.1, NM_001408493.1 and 52 more transcripts); c.-339-17C>T (NM_001407965.1); c.-177-17C>T (NM_001407930.1, NM_001407843.1, NM_001408456.1 and 13 more transcripts); c.-181-17C>T (NM_001408465.1, NM_001407695.1); c.-61-17C>T (NM_001407920.1, NM_001408504.1, NM_001408463.1 and 47 more transcripts); c.-8+5762C>T (NM_001407751.1, NM_001407726.1); and 10 more.
Identifiers: ClinVar variation 868768 (VCV000868768.8), dbSNP rs757442952, ClinGen allele CA916081076.
Genomic context (GRCh38, chr17:43,115,796, plus strand): 5'-TGTGGTCACACTTTGTGGAGACAGGTTCCTTGATCAACTCCAGACTAGCAGGGTAGGGGG[G>A]GAGAAAAAGAAAATAAATGAGGCTCAATAATTTATTTAAAAATAAAGCTATTCTTAGTGA-3'